The following is an entry in ClinVar:

ClinVar aggregate classification (germline): Pathogenic. Review status: criteria provided, multiple submitters, no conflicts (2 of 4 stars). 23 submissions from 23 submitters: Pathogenic (19). 4 of the submissions do not count toward it. Last evaluated 2026-01-27.

Conditions:
TH-related disorder. Also called: TH-related condition.
TH-deficient dopa-responsive dystonia. Also called: DYT-TH; Segawa syndrome, autosomal recessive; Tyrosine Hydroxylase-Deficient Dopa-Responsive Dystonia. Identifiers: Orphanet 101150, MedGen C2673535, MONDO:0011551, OMIM 605407.

Allele frequency attached by ClinVar (database versions not stated): gnomAD exomes 0.00011; gnomAD 0.00013 and 0.00014; TOPMed 0.00009; ExAC 0.00012.

Submissions 1 to 11 of 23:

Labcorp Genetics (formerly Invitae), Labcorp
Classification: Pathogenic for TH-deficient dopa-responsive dystonia. Last evaluated: 2026-01-27. Review status: criteria provided, single submitter. Criteria: Invitae Variant Classification Sherloc (09022015). Collection method: clinical testing. Allele origin: germline.
Comment: This sequence change replaces arginine, which is basic and polar, with histidine, which is basic and polar, at codon 233 of the TH protein (p.Arg233His). This variant is present in population databases (rs80338892, gnomAD 0.04%). This missense change has been observed in individual(s) with tyrosine hydroxylase (TH) deficiency (PMID: 9703425, 10407773, 20430833, 20823027). It has also been observed to segregate with disease in related individuals. ClinVar contains an entry for this variant (Variation ID: 12327). Invitae Evidence Modeling of protein sequence and biophysical properties (such as structural, functional, and spatial information, amino acid conservation, physicochemical variation, residue mobility, and thermodynamic stability) has been performed for this missense variant. However, the output from this modeling did not meet the statistical confidence thresholds required to predict the impact of this variant on TH protein function. Experimental studies have shown that this missense change affects TH function (PMID: 20492352, 24753243, 26276013). For these reasons, this variant has been classified as Pathogenic.

Victorian Clinical Genetics Services, Murdoch Childrens Research Institute
Classification: Pathogenic for TH-deficient dopa-responsive dystonia. Last evaluated: 2025-11-25. Review status: criteria provided, single submitter. Criteria: ACMG Guidelines, 2015. Collection method: clinical testing. Allele origin: germline. Affected: yes.
Comment: This variant is classified as Pathogenic. Evidence in support of pathogenic classification: Variant is present in gnomAD <0.01 for a recessive condition (v4: 232 heterozygote(s), 0 homozygote(s)); This variant has strong previous evidence of pathogenicity in unrelated individuals. This variant has been classified as pathogenic by clinical laboratories in ClinVar, and reported in the literature as the most common allele causing Segawa syndrome (PMID: 27973928); Missense variant predicted to be damaging by in silico tool(s) or highly conserved with a major amino acid change. Additional information: Variant is predicted to result in a missense amino acid change from arginine to histidine; This variant is homozygous; This gene is associated with autosomal recessive disease; Alternative amino acid change(s) at the same position are present in gnomAD (highest allele count: v4: 10 heterozygote(s), 0 homozygote(s)); Variant is located in the annotated biopterin-dependent aromatic amino acid hydroxylase domain (DECIPHER); Loss of function is a known mechanism of disease in this gene and is associated with recessive Segawa syndrome (MIM#605407); Variants in this gene are known to have variable expressivity (OMIM).

PreventionGenetics, part of Exact Sciences
Classification: Pathogenic for TH-related condition. Last evaluated: 2025-11-19. Review status: criteria provided, single submitter. Criteria: ACMG Guidelines, 2015. Collection method: clinical testing. Allele origin: germline.
Comment: The TH c.698G>A variant is predicted to result in the amino acid substitution p.Arg233His. This variant has previously been reported to be causative for autosomal recessive L-DOPA-responsive dystonia/tyrosine hydroxylase deficiency and functional studies have supported pathogenicity (van den Heuvel et al. 1998. PubMed ID: 9703425; Fossbakk et al. 2014. PubMed ID: 24753243; Furukawa et al. 1993. PubMed ID: 20301610). This variant is reported in 0.035% of alleles in individuals of East Asian descent in gnomAD. This variant is interpreted as pathogenic.

Natera, Inc.
Classification: Pathogenic for Autosomal recessive Segawa syndrome. Last evaluated: 2025-10-05. Review status: criteria provided, single submitter. Criteria: Natera Variant Classification Schema (03/2026). Collection method: clinical testing. Allele origin: germline.
Comment: The c.698G>A variant in TH is a missense variant predicted to cause substitution of arginine to histidine at amino acid 233. This variant has been observed in one or more individuals affected with the associated recessive disease, as either homozygous or compound heterozygous with a second variant (PMID: 22264700). Computational prediction algorithms indicate this variant is likely to affect gene or protein function. Given the available evidence, this variant is classified as Pathogenic.

3billion
Classification: Pathogenic for TH-deficient dopa-responsive dystonia. Last evaluated: 2025-10-03. Review status: criteria provided, single submitter. Criteria: ACMG Guidelines, 2015. Collection method: clinical testing. Allele origin: germline. Affected: yes.
Comment: The variant is observed at an extremely low frequency in the gnomAD v4.1.0 dataset (total allele frequency: 0.014%). Predicted Consequence/Location: Missense variant Functional studies provide strong evidence of the variant having a damaging effect on the gene or gene product (PMID: 24753243, 26276013). In silico tool predictions suggest damaging effect of the variant on gene or gene product [REVEL: 0.95 (>=0.6, sensitivity 0.68 and specificity 0.92); 3Cnet: 0.98 (> 0.75, sensitivity 0.96 and precision 0.92)]. The same nucleotide change resulting in the same amino acid change has been previously reported as pathogenic/likely pathogenic with strong evidence (ClinVar ID: VCV000012327 /PMID: 9703425 /3billion dataset). The variant has been reported to be in trans with a pathogenic variant as either compound heterozygous or homozygous in at least 2 similarly affected unrelated individuals (PMID: 20430833, 20823027). A different missense change at the same codon (p.Arg202Cys) has been reported as pathogenic/likely pathogenic with strong evidence (ClinVar ID: VCV000640660 /3billion dataset). Therefore, this variant is classified as Pathogenic according to the recommendation of ACMG/AMP guideline.

Women's Health and Genetics/Laboratory Corporation of America, LabCorp
Classification: Pathogenic for TH-deficient dopa-responsive dystonia. Last evaluated: 2025-09-02. Review status: criteria provided, single submitter. Criteria: LabCorp Variant Classification Summary - May 2015. Collection method: clinical testing. Allele origin: germline.
Comment: Variant summary: TH c.698G>A (p.Arg233His) results in a non-conservative amino acid change in the encoded protein sequence. Algorithms developed to predict the effect of missense changes on protein structure and function all suggest that this variant is likely to be disruptive. The variant allele was found at a frequency of 0.00011 in 244584 control chromosomes. This frequency is not significantly higher than estimated for disease-causing variants in TH, allowing no conclusion about variant significance. c.698G>A has been observed in multiple individuals affected with Segawa Syndrome, Autosomal Recessive (e.g. Willemsen_2010, van den Heuvel_1998). These data indicate that the variant is very likely to be associated with disease. At least one publication reports experimental evidence evaluating an impact on protein function (e.g. Fossbakk_2014). The most pronounced variant effect results in <10% of normal activity. The following publications have been ascertained in the context of this evaluation (PMID: 24753243, 20430833, 9703425). ClinVar contains an entry for this variant (Variation ID: 12327). Based on the evidence outlined above, the variant was classified as pathogenic.

Baylor Genetics
Classification: Pathogenic for TH-deficient dopa-responsive dystonia. Last evaluated: 2024-03-27. Review status: criteria provided, single submitter. Criteria: ACMG Guidelines, 2015. Collection method: clinical testing. Allele origin: unknown.

CeGaT Center for Human Genetics Tuebingen
Classification: Pathogenic. Last evaluated: 2024-02-01. Review status: criteria provided, single submitter. Criteria: CeGaT Center For Human Genetics Tuebingen Variant Classification Criteria Version 2. Collection method: clinical testing. Allele origin: germline. Affected: yes. Observed: 3 variant alleles.
Comment: TH: PM3:Very Strong, PM2:Supporting, PS3:Supporting

Revvity Omics, Revvity
Classification: Pathogenic for TH-deficient dopa-responsive dystonia. Last evaluated: 2022-01-10. Review status: criteria provided, single submitter. Criteria: ACMG Guidelines, 2015. Collection method: clinical testing. Allele origin: germline.

GeneDx
Classification: Pathogenic. Last evaluated: 2021-10-29. Review status: criteria provided, single submitter. Criteria: GeneDx Variant Classification Process June 2021. Collection method: clinical testing. Allele origin: germline. Affected: yes.
Comment: Functional studies indicate that R233H causes altered substrate specificity of the TH enzyme (Fossbakk et al., 2014); In silico analysis supports that this missense variant has a deleterious effect on protein structure/function; This variant is associated with the following publications: (PMID: 29126763, 16376043, 21937992, 9703425, 24753243, 26953246, 27973928, 25224241, 18554280, 22264700, 28667724, 28087438, 29961769, 10407773, 20430833, 30383639, 32872068, 31980526, 31589614, 33233562)

Fulgent Genetics
Classification: Pathogenic for TH-deficient dopa-responsive dystonia. Last evaluated: 2021-07-30. Review status: criteria provided, single submitter. Criteria: ACMG Guidelines, 2015. Collection method: clinical testing. Allele origin: unknown.

NM_000360.4(TH):c.605G>A (p.Arg202His)

Gene: TH (tyrosine hydroxylase; minus strand). Cytogenetic location: 11p15.5.
Variant type: single nucleotide variant.
Coding change: c.605G>A on transcript NM_000360.4 (MANE Select); coding-DNA position 605, G replaced by A.
Protein change: p.Arg202His; replaces arginine 202 with histidine.
Molecular consequence: missense variant.
Genome position (GRCh38, 1-based): chr11:2,167,905, C>T on the plus strand (G>A on the coding strand, the complement: TH is on the minus strand). VCF-style: chr11-2167905-C-T. GRCh37 (hg19) VCF-style: chr11-2189135-C-T.
Other names: c.698G>A, p.Arg233His (NM_199292.3); c.686G>A, p.Arg229His (NM_199293.3); short protein forms R233H, R229H.
Identifiers: ClinVar variation 12327 (VCV000012327.86), dbSNP rs80338892, ClinGen allele CA341192.
Genomic context (GRCh38, chr11:2,167,905, plus strand): 5'-CCGAGCGCAGGGGCCCCTCACTGCCTGTACTGGAAGGCGATCTCAGCAATCAGCTTCCTG[C>T]GCTGGCGGTACACCTGGTCCGAGAAGCCCTGAGGGCAGAGGGGATGCACGGGTCAGGAGG-3'
Protein context (NP_000351.2, residues 192-212): PGFSDQVYRQ[Arg202His]RKLIAEIAFQ